The following is an entry in ClinVar:

ClinVar aggregate classification (germline): Pathogenic (1 of 4 stars; one submission).

Conditions:
Biotinidase deficiency. Also called: Biotin deficiency; BTD deficiency; Late-onset biotin-responsive multiple carboxylase deficiency. Identifiers: Orphanet 79241, MedGen C0220754, MONDO:0009665, OMIM 253260.

Submission:

Labcorp Genetics (formerly Invitae), Labcorp
Classification: Pathogenic for Biotinidase deficiency. Last evaluated: 2022-07-20. Review status: criteria provided, single submitter. Criteria: Invitae Variant Classification Sherloc (09022015). Collection method: clinical testing. Allele origin: germline.
Comment: This sequence change affects a donor splice site in intron 3 of the BTD gene. While this variant is not anticipated to result in nonsense mediated decay, it likely alters RNA splicing and results in a disrupted protein product. This variant is not present in population databases (gnomAD no frequency). Disruption of this splice site has been observed in individual(s) with a positive newborn screening result for BTD-related disease (Invitae). Variants that disrupt the consensus splice site are a relatively common cause of aberrant splicing (PMID: 17576681, 9536098). Algorithms developed to predict the effect of sequence changes on RNA splicing suggest that this variant may disrupt the consensus splice site. This variant disrupts a region of the BTD protein in which other variant(s) (p.Leu498Phefs*13) have been determined to be pathogenic (PMID: 17382128, 19728141, 29359854). This suggests that this is a clinically significant region of the protein, and that variants that disrupt it are likely to be disease-causing. For these reasons, this variant has been classified as Pathogenic.

Literature cited by the submitters: PubMed 17576681; PubMed 9536098; PubMed 17382128; PubMed 19728141; PubMed 29359854.

NM_001370658.1(BTD):c.399+2T>G

Gene: BTD (biotinidase; plus strand). Cytogenetic location: 3p25.1.
Variant type: single nucleotide variant.
Coding change: c.399+2T>G on transcript NM_001370658.1 (MANE Select); the canonical splice donor site of the intron after coding-DNA position 399, T replaced by G.
Molecular consequence: splice donor variant. On other transcripts: missense variant (13).
Genome position (GRCh38, 1-based): chr3:15,642,059, T>G. VCF-style: chr3-15642059-T-G. GRCh37 (hg19) VCF-style: chr3-15683566-T-G.
Other names: c.399+2T>G (NM_001407371.1, NM_001407376.1, NM_001407375.1 and 24 more transcripts); c.401T>G, p.Val134Gly (NM_001281726.3, NM_001407382.1, NM_001407383.1 and 9 more transcripts); c.464T>G, p.Val155Gly (NM_001407381.1); short protein forms V155G, V134G.
Identifiers: ClinVar variation 2018405 (VCV002018405.4), dbSNP rs2471491093, ClinGen allele CA351605899.
Genomic context (GRCh38, chr3:15,642,059, plus strand): 5'-CTCCCCAGGTGGTCAGGTGGAACCCATGCCTGGAGCCTCACCGCTTCAATGACACAGAGG[T>G]GATTCCTGCCTTTTTCCTCAGTAGGCTGAGGGTACACAGAGGTGATCTAAGTCAGGGACC-3'